The following is an entry in ClinVar:

ClinVar aggregate classification (germline): Uncertain significance. Review status: criteria provided, multiple submitters, no conflicts (2 of 4 stars). 2 submissions from 2 submitters: Uncertain significance (2). Last evaluated 2024-08-27.

Conditions:
Fanconi anemia (FA). Also called: Fanconi's anemia. Identifiers: Orphanet 84, MedGen C0015625, MeSH D005199, MONDO:0019391.
Fanconi anemia complementation group P. Also called: SLX4-Related Fanconi Anemia. Identifiers: Orphanet 84, MedGen C3469542, MONDO:0013499, OMIM 613951.

Allele frequency attached by ClinVar (database versions not stated): gnomAD 0.00001 and 0.00003; ExAC 0.00002; gnomAD exomes 0.00002 and 0.00004; TOPMed 0.00002; 1000 Genomes Project 30x 0.00016; 1000 Genomes Project 0.00020.
gnomAD v4.1: 29 of 1,614,196 alleles (0.0018%); highest among the groups gnomAD compares: East Asian, 0.011%; no homozygotes.

Submissions (2):

Labcorp Genetics (formerly Invitae), Labcorp
Classification: Uncertain significance for Fanconi anemia. Last evaluated: 2024-08-27. Review status: criteria provided, single submitter. Criteria: Invitae Variant Classification Sherloc (09022015). Collection method: clinical testing. Allele origin: germline.
Comment: This sequence change replaces arginine, which is basic and polar, with glutamine, which is neutral and polar, at codon 212 of the SLX4 protein (p.Arg212Gln). This variant is present in population databases (rs575953567, gnomAD 0.02%). This variant has not been reported in the literature in individuals affected with SLX4-related conditions. ClinVar contains an entry for this variant (Variation ID: 1021313). An algorithm developed to predict the effect of missense changes on protein structure and function (PolyPhen-2) suggests that this variant is likely to be disruptive. In summary, the available evidence is currently insufficient to determine the role of this variant in disease. Therefore, it has been classified as a Variant of Uncertain Significance.

Fulgent Genetics
Classification: Uncertain significance for Fanconi anemia complementation group P. Last evaluated: 2022-03-04. Review status: criteria provided, single submitter. Criteria: ACMG Guidelines, 2015. Collection method: clinical testing. Allele origin: unknown.

NM_032444.4(SLX4):c.635G>A (p.Arg212Gln)

Gene: SLX4 (SLX4 structure-specific endonuclease subunit; minus strand). Cytogenetic location: 16p13.3.
Variant type: single nucleotide variant.
Coding change: c.635G>A on transcript NM_032444.4 (MANE Select); coding-DNA position 635, G replaced by A.
Protein change: p.Arg212Gln; replaces arginine 212 with glutamine.
Molecular consequence: missense variant.
Genome position (GRCh38, 1-based): chr16:3,606,599, C>T on the plus strand (G>A on the coding strand, the complement: SLX4 is on the minus strand). VCF-style: chr16-3606599-C-T. GRCh37 (hg19) VCF-style: chr16-3656600-C-T.
Other names: short protein forms R212Q.
Identifiers: ClinVar variation 1021313 (VCV001021313.7), dbSNP rs575953567, ClinGen allele CA7866804.
Genomic context (GRCh38, chr16:3,606,599, plus strand): 5'-GAGCACTCTTCTGAAGCGTGTCTCAAACGCTCGGGGTCTGCTCTCTTGAACTGCTGCATT[C>T]GCTGTAGGACCAATTGTGCTGTGCGGGGTTTGGAGGGACTTGGCACTGCTGTTGTCAAAC-3'
Protein context (NP_115820.2, residues 202-222): KPRTAQLVLQ[Arg212Gln]MQQFKRADPE